The following is an entry in ClinVar:

ClinVar aggregate classification (germline): Likely benign. Review status: criteria provided, multiple submitters, no conflicts (2 of 4 stars). 2 submissions from 2 submitters: Likely benign (2). Last evaluated 2025-06-14.

Allele frequency attached by ClinVar (database versions not stated): gnomAD 0.00004; TOPMed 0.00004; gnomAD exomes 0.00005; ESP Exome Variant Server 0.00008; ExAC 0.00009.
gnomAD v4.1: 88 of 1,613,870 alleles (0.0055%); highest among the groups gnomAD compares: African/African-American, 0.004%; no homozygotes.

Submissions (2):

Labcorp Genetics (formerly Invitae), Labcorp
Classification: Likely benign. Last evaluated: 2025-06-14. Review status: criteria provided, single submitter. Criteria: Invitae Variant Classification Sherloc (09022015). Collection method: clinical testing. Allele origin: germline.

CeGaT Center for Human Genetics Tuebingen
Classification: Likely benign. Last evaluated: 2025-01-01. Review status: criteria provided, single submitter. Criteria: CeGaT Center For Human Genetics Tuebingen Variant Classification Criteria Version 2. Collection method: clinical testing. Allele origin: germline. Affected: yes. Observed: 1 variant allele.
Comment: DCHS1: BP4, BP7

NM_003737.4(DCHS1):c.7884C>T (p.Asp2628=)

Gene: DCHS1 (dachsous cadherin-related 1; minus strand). Cytogenetic location: 11p15.4.
Variant type: single nucleotide variant.
Coding change: c.7884C>T on transcript NM_003737.4 (MANE Select); coding-DNA position 7884, C replaced by T.
Protein change: p.Asp2628=; no amino-acid change (aspartic acid 2628 retained).
Molecular consequence: synonymous variant.
Genome position (GRCh38, 1-based): chr11:6,623,792, G>A on the plus strand (C>T on the coding strand, the complement: DCHS1 is on the minus strand). VCF-style: chr11-6623792-G-A. GRCh37 (hg19) VCF-style: chr11-6645023-G-A.
Identifiers: ClinVar variation 2727114 (VCV002727114.16), dbSNP rs144013958, ClinGen allele CA5859523.